The following is an entry in ClinVar:

NM_005477.3(HCN4):c.2504C>T (p.Ser835Phe)

Gene: HCN4 (hyperpolarization activated cyclic nucleotide gated potassium channel 4; minus strand). Cytogenetic location: 15q24.1.
Variant type: single nucleotide variant.
Coding change: c.2504C>T on transcript NM_005477.3 (MANE Select); coding-DNA position 2504, C replaced by T.
Protein change: p.Ser835Phe; replaces serine 835 with phenylalanine.
Molecular consequence: missense variant.
Genome position (GRCh38, 1-based): chr15:73,323,589, G>A on the plus strand (C>T on the coding strand, the complement: HCN4 is on the minus strand). VCF-style: chr15-73323589-G-A. GRCh37 (hg19) VCF-style: chr15-73615930-G-A.
Other names: short protein forms S835F.
Identifiers: ClinVar variation 2064810 (VCV002064810.5), dbSNP rs2549068928, ClinGen allele CA393088764.

ClinVar aggregate classification (germline): Uncertain significance. Review status: criteria provided, multiple submitters, no conflicts (2 of 4 stars). 2 submissions from 2 submitters: Uncertain significance (2). Last evaluated 2025-06-29.

Conditions:
Sick sinus syndrome 2, autosomal dominant (SSS2). Also called: ATRIAL FIBRILLATION WITH BRADYARRHYTHMIA; SINUS BRADYCARDIA SYNDROME, FAMILIAL, AUTOSOMAL DOMINANT; SINUS NODE DISEASE, FAMILIAL, AUTOSOMAL DOMINANT; SICK SINUS SYNDROME 2; SICK SINUS SYNDROME 2 WITH OR WITHOUT CARDIAC NONCOMPACTION AND/OR ASCENDING AORTA DILATION. Identifiers: Orphanet 166282, MedGen C1834144, MONDO:0008102, OMIM 163800.
Brugada syndrome 8 (BRGDA8). Identifiers: Orphanet 130, MedGen C2751083, MONDO:0013148, OMIM 613123.

Allele frequency attached by ClinVar (database versions not stated): gnomAD exomes 0.00001.
gnomAD v4.1: 15 of 1,601,644 alleles (0.00094%); highest among the groups gnomAD compares: Non-Finnish European, 0.0013%; no homozygotes.

Submissions (2):

Labcorp Genetics (formerly Invitae), Labcorp
Classification: Uncertain significance for Brugada syndrome 8. Last evaluated: 2025-06-29. Review status: criteria provided, single submitter. Criteria: Invitae Variant Classification Sherloc (09022015). Collection method: clinical testing. Allele origin: germline.
Comment: This sequence change replaces serine, which is neutral and polar, with phenylalanine, which is neutral and non-polar, at codon 835 of the HCN4 protein (p.Ser835Phe). This variant is not present in population databases (gnomAD no frequency). This variant has not been reported in the literature in individuals affected with HCN4-related conditions. ClinVar contains an entry for this variant (Variation ID: 2064810). Invitae Evidence Modeling of protein sequence and biophysical properties (such as structural, functional, and spatial information, amino acid conservation, physicochemical variation, residue mobility, and thermodynamic stability) indicates that this missense variant is not expected to disrupt HCN4 protein function with a negative predictive value of 95%. In summary, the available evidence is currently insufficient to determine the role of this variant in disease. Therefore, it has been classified as a Variant of Uncertain Significance.

New York Genome Center
Classification: Uncertain significance for Sick sinus syndrome 2, autosomal dominant; Brugada syndrome 8. Last evaluated: 2023-01-23. Review status: criteria provided, single submitter. Criteria: NYGC Assertion Criteria 2020. Collection method: clinical testing. Allele origin: germline. Observed: 1 heterozygote.
Comment: The c.2504C>T p.(Ser835Phe) variant has not previously been reported in the literature or public variant repositories (ClinVar and LOVD) and is absent from population databases (gnomAD v2.1.1 and v3.1.2, TOPMed Freeze 8), suggesting it is not a common benign variant in the populations represented in those databases. The c.2504C>T variant is located in exon 8 of this 8-exon gene and is predicted to replace a moderately conserved serine amino acid with phenylalaninep.(Ser835Phe) in the cytoplasmic domain of the encoded protein [PMID: 25145517]. In silico predictions are not in favor of damaging effect for p.(Ser835Phe) [REVEL =0.308]; however, there are no functional studies to support or refute these predictions. Based on available evidence this c.2504C>T p.(Ser835Phe) variant identified in HCN4 is classified as a Variant of Uncertain Significance.